The following is an entry in ClinVar:

NM_004991.4(MECOM):c.3560C>T (p.Pro1187Leu)

Gene: MECOM (MDS1 and EVI1 complex locus; minus strand). Cytogenetic location: 3q26.2.
Variant type: single nucleotide variant.
Coding change: c.3560C>T on transcript NM_004991.4 (MANE Select); coding-DNA position 3560, C replaced by T.
Protein change: p.Pro1187Leu; replaces proline 1187 with leucine.
Molecular consequence: missense variant.
Genome position (GRCh38, 1-based): chr3:169,089,025, G>A on the plus strand (C>T on the coding strand, the complement: MECOM is on the minus strand). VCF-style: chr3-169089025-G-A. GRCh37 (hg19) VCF-style: chr3-168806813-G-A.
Other names: c.3191C>T, p.Pro1064Leu (NM_001105077.4); c.2996C>T, p.Pro999Leu (NM_001105078.4, NM_001205194.2, NM_001366469.2 and 1 more transcripts); c.2972C>T, p.Pro991Leu (NM_001163999.2, NM_001366470.2); c.2969C>T, p.Pro990Leu (NM_001164000.2, NM_001366471.2, NM_001366472.2); c.3533C>T, p.Pro1178Leu (NM_001366466.2); c.2999C>T, p.Pro1000Leu (NM_001366467.2, NM_001366468.2); c.2561C>T, p.Pro854Leu (NM_001366473.2); c.1997C>T, p.Pro666Leu (NM_001366474.2); short protein forms P1187L, P666L, P991L, P1000L, P1064L, P1178L, P854L, P990L.
Identifiers: ClinVar variation 1980545 (VCV001980545.4), dbSNP rs376191747, ClinGen allele CA2695871.

ClinVar aggregate classification (germline): Uncertain significance (1 of 4 stars; one submission).

gnomAD v4.1: 79 of 1,600,636 alleles (0.0049%); highest among the groups gnomAD compares: Middle Eastern, 0.017%; no homozygotes.

Submission:

Labcorp Genetics (formerly Invitae), Labcorp
Classification: Uncertain significance. Last evaluated: 2025-11-24. Review status: criteria provided, single submitter. Criteria: Invitae Variant Classification Sherloc (09022015). Collection method: clinical testing. Allele origin: germline.
Comment: This sequence change replaces proline, which is neutral and non-polar, with leucine, which is neutral and non-polar, at codon 999 of the MECOM protein (p.Pro999Leu). This variant is present in population databases (rs376191747, gnomAD 0.01%). This variant has not been reported in the literature in individuals affected with MECOM-related conditions. ClinVar contains an entry for this variant (Variation ID: 1980545). An algorithm developed to predict the effect of missense changes on protein structure and function (PolyPhen-2) suggests that this variant is likely to be disruptive. In summary, the available evidence is currently insufficient to determine the role of this variant in disease. Therefore, it has been classified as a Variant of Uncertain Significance.